The following is an entry in ClinVar:

ClinVar aggregate classification (germline): Uncertain significance (1 of 4 stars; one submission).

Conditions:
Brugada syndrome 5 (BRGDA5). Identifiers: Orphanet 130, Orphanet 871, MedGen C2748541, MONDO:0013015, OMIM 612838.

Allele frequency attached by ClinVar (database versions not stated): TOPMed 0.00001.

Submission:

Labcorp Genetics (formerly Invitae), Labcorp
Classification: Uncertain significance for Brugada syndrome 5. Last evaluated: 2022-08-24. Review status: criteria provided, single submitter. Criteria: Invitae Variant Classification Sherloc (09022015). Collection method: clinical testing. Allele origin: germline.
Comment: In summary, the available evidence is currently insufficient to determine the role of this variant in disease. Therefore, it has been classified as a Variant of Uncertain Significance. Algorithms developed to predict the effect of missense changes on protein structure and function (SIFT, PolyPhen-2, Align-GVGD) all suggest that this variant is likely to be disruptive. ClinVar contains an entry for this variant (Variation ID: 858574). This variant has not been reported in the literature in individuals affected with SCN1B-related conditions. This variant is not present in population databases (gnomAD no frequency). This sequence change replaces tyrosine, which is neutral and polar, with cysteine, which is neutral and slightly polar, at codon 113 of the SCN1B protein (p.Tyr113Cys).

NM_001037.5(SCN1B):c.338A>G (p.Tyr113Cys)

Gene: SCN1B (sodium voltage-gated channel beta subunit 1; plus strand). Cytogenetic location: 19q13.11.
Variant type: single nucleotide variant.
Coding change: c.338A>G on transcript NM_001037.5 (MANE Select); coding-DNA position 338, A replaced by G.
Protein change: p.Tyr113Cys; replaces tyrosine 113 with cysteine.
Molecular consequence: missense variant.
Genome position (GRCh38, 1-based): chr19:35,033,629, A>G. VCF-style: chr19-35033629-A-G. GRCh37 (hg19) VCF-style: chr19-35524533-A-G.
Other names: c.239A>G, p.Tyr80Cys (NM_001321605.2); c.338A>G, p.Tyr113Cys (NM_199037.5); short protein forms Y113C, Y80C.
Identifiers: ClinVar variation 858574 (VCV000858574.8), dbSNP rs1246786495, ClinGen allele CA405328813.
Genomic context (GRCh38, chr19:35,033,629, plus strand): 5'-ATGGCAGCCGGGGCACCAAAGACCTGCAGGATCTGTCTATCTTCATCACCAATGTCACCT[A>G]CAACCACTCGGGCGACTACGAGTGCCACGTCTACCGCCTGCTCTTCTTCGAAAACTACGA-3'
Protein context (NP_001028.1, residues 103-123): DLSIFITNVT[Tyr113Cys]NHSGDYECHV